The following is an entry in ClinVar:

NM_005120.3(MED12):c.4245dup (p.Val1416fs)

Gene: MED12 (mediator complex subunit 12; plus strand). Cytogenetic location: Xq13.1.
Variant type: Duplication.
Coding change: c.4245dup on transcript NM_005120.3 (MANE Select); coding-DNA position 4245, one base duplicated (T; older notation c.4245dupT).
Protein change: p.Val1416fs; shifts the reading frame from valine 1416.
Molecular consequence: frameshift variant.
Genome position (GRCh38, 1-based): chrX:71,132,198, T duplicated. VCF-style (leftmost placement, unchanged base first): chrX-71132197-C-CT. GRCh37 (hg19) VCF-style: chrX-70352047-C-CT.
Other names: short protein forms V1416fs.
Identifiers: ClinVar variation 3346794 (VCV003346794.1).

ClinVar aggregate classification (germline): Likely pathogenic (0 of 4 stars; one submission).

Conditions:
MED12-Related Disorders. Also called: MED12-related condition; MED12-related disorder. Identifiers: MedGen CN381102.

Submission:

PreventionGenetics, part of Exact Sciences
Classification: Likely pathogenic for MED12-related condition. Last evaluated: 2024-08-21. Review status: no assertion criteria provided. Collection method: clinical testing. Allele origin: germline.
Comment: The MED12 c.4245dupT variant is predicted to result in a frameshift and premature protein termination (p.Val1416Cysfs*19). To our knowledge, this variant has not been reported in the literature or in a large population database, indicating this variant is rare. Frameshift variants in MED12 are expected to be pathogenic. This variant is interpreted as likely pathogenic.